The following is an entry in ClinVar:

NM_002878.4(RAD51D):c.554_555delinsAA (p.Leu185Gln)

Genes: RAD51D (RAD51 paralog D; minus strand), RAD51L3-RFFL (RAD51L3-RFFL readthrough; minus strand). Cytogenetic location: 17q12.
Variant type: Indel.
Coding change: c.554_555delinsAA on transcript NM_002878.4 (MANE Select); coding-DNA positions 554 to 555, TC replaced by AA.
Protein change: p.Leu185Gln; replaces leucine 185 with glutamine.
Molecular consequence: missense variant. On other transcripts: non-coding transcript variant (3).
Genome position (GRCh38, 1-based): chr17:35,106,407-35,106,408, GA replaced by TT on the plus strand (TC replaced by AA on the coding strand, the reverse complement: RAD51D is on the minus strand). VCF-style: chr17-35106407-GA-TT. GRCh37 (hg19) VCF-style: chr17-33433426-GA-TT.
Other names: c.614_615delinsAA, p.Leu205Gln (NM_001142571.2); c.218_219delinsAA, p.Leu73Gln (NM_133629.3); short protein forms L185Q, L205Q, L73Q.
Identifiers: ClinVar variation 1010604 (VCV001010604.3), dbSNP rs2091603521, ClinGen allele CA2257361552.

ClinVar aggregate classification (germline): Uncertain significance (1 of 4 stars; one submission).

Conditions:
Breast-ovarian cancer, familial, susceptibility to, 4. Identifiers: Orphanet 145, MedGen C3280345, MONDO:0013669, OMIM 614291.

Submission:

Labcorp Genetics (formerly Invitae), Labcorp
Classification: Uncertain significance for Breast-ovarian cancer, familial, susceptibility to, 4. Last evaluated: 2020-01-18. Review status: criteria provided, single submitter. Criteria: Invitae Variant Classification Sherloc (09022015). Collection method: clinical testing. Allele origin: germline.
Comment: In summary, the available evidence is currently insufficient to determine the role of this variant in disease. Therefore, it has been classified as a Variant of Uncertain Significance. Algorithms developed to predict the effect of missense changes on protein structure and function are either unavailable or do not agree on the potential impact of this missense change (SIFT: "Not Available"; PolyPhen-2: "Probably Damaging"; Align-GVGD: "Not Available"). This variant has not been reported in the literature in individuals with RAD51D-related conditions. This variant is not present in population databases (ExAC no frequency). This sequence change replaces leucine with glutamine at codon 185 of the RAD51D protein (p.Leu185Gln). The leucine residue is moderately conserved and there is a moderate physicochemical difference between leucine and glutamine.